The following is an entry in ClinVar:

ClinVar aggregate classification (germline): Conflicting classifications of pathogenicity. Review status: criteria provided, conflicting classifications (1 of 4 stars). 3 submissions from 3 submitters: Pathogenic (1); Likely pathogenic (1); Uncertain significance (1). Last evaluated 2023-08-10.

Conditions:
Wilson disease (WND). Also called: Wilson's disease. Identifiers: Orphanet 905, MedGen C0019202, MONDO:0010200, OMIM 277900. Disease mechanism: loss of function.

Submissions (3):

Labcorp Genetics (formerly Invitae), Labcorp
Classification: Uncertain significance for Wilson disease. Last evaluated: 2023-08-10. Review status: criteria provided, single submitter. Criteria: Invitae Variant Classification Sherloc (09022015). Collection method: clinical testing. Allele origin: germline.
Comment: This missense change has been observed in individual(s) with clinical features of Wilson disease and/or Wilson disease (PMID: 18373411; Invitae). In at least one individual the data is consistent with being in trans (on the opposite chromosome) from a pathogenic variant. In summary, the available evidence is currently insufficient to determine the role of this variant in disease. Therefore, it has been classified as a Variant of Uncertain Significance. Advanced modeling of protein sequence and biophysical properties (such as structural, functional, and spatial information, amino acid conservation, physicochemical variation, residue mobility, and thermodynamic stability) has been performed at Invitae for this missense variant, however the output from this modeling did not meet the statistical confidence thresholds required to predict the impact of this variant on ATP7B protein function. ClinVar contains an entry for this variant (Variation ID: 157943). This variant is not present in population databases (gnomAD no frequency). This sequence change replaces glutamine, which is neutral and polar, with proline, which is neutral and non-polar, at codon 1004 of the ATP7B protein (p.Gln1004Pro).

Genome-Nilou Lab
Classification: Likely pathogenic for Wilson disease. Last evaluated: 2021-08-10. Review status: criteria provided, single submitter. Criteria: ACMG Guidelines, 2015. Collection method: clinical testing. Allele origin: germline. Affected: no.

Genetic Services Laboratory, University of Chicago
Classification: Pathogenic for Wilson disease. Last evaluated: 2013-02-08. Review status: criteria provided, single submitter. Criteria: ACMG Guidelines, 2007. Collection method: clinical testing. Allele origin: germline. Inheritance: Autosomal recessive inheritance. Affected: yes.

Literature cited by the submitters: PubMed 18373411 (cited by Labcorp Genetics (formerly Invitae), Labcorp).

NM_000053.4(ATP7B):c.3011A>C (p.Gln1004Pro)

Gene: ATP7B (ATPase copper transporting beta; minus strand). Cytogenetic location: 13q14.3.
Variant type: single nucleotide variant.
Coding change: c.3011A>C on transcript NM_000053.4 (MANE Select); coding-DNA position 3011, A replaced by C.
Protein change: p.Gln1004Pro; replaces glutamine 1004 with proline.
Molecular consequence: missense variant.
Genome position (GRCh38, 1-based): chr13:51,946,333, T>G on the plus strand (A>C on the coding strand, the complement: ATP7B is on the minus strand). VCF-style: chr13-51946333-T-G. GRCh37 (hg19) VCF-style: chr13-52520469-T-G.
Other names: c.2390A>C, p.Gln797Pro (NM_001005918.3); c.2678A>C, p.Gln893Pro (NM_001243182.2); c.2777A>C, p.Gln926Pro (NM_001330578.2); c.2759A>C, p.Gln920Pro (NM_001330579.2); short protein forms Q1004P, Q920P, Q893P, Q797P, Q926P.
Identifiers: ClinVar variation 157943 (VCV000157943.11), dbSNP rs587783307, ClinGen allele CA271174.
Genomic context (GRCh38, chr13:51,946,333, plus strand): 5'-TACAGGCTGACCTTGTGCGCCATCTCCAGGGGCTTGCCTCCCTTGATGAGGATGCCGTTC[T>G]GCGCGGCCACCCCGGTGCCCACCATGACAGCCGTGGGCGTGGCCAGCCCCAGGGAGCAGG-3'
Protein context (NP_000044.2, residues 994-1014): AVMVGTGVAA[Gln1004Pro]NGILIKGGKP